The following is an entry in ClinVar:

ClinVar aggregate classification (germline): Uncertain significance (1 of 4 stars; one submission).

Conditions:
Marfan syndrome (MFS). Also called: Marfan syndrome type 1; Marfan's syndrome; FBN1-Related Marfan Syndrome; MARFAN SYNDROME, TYPE I; Marfan syndrome, classic. Identifiers: Orphanet 284963, Orphanet 558, MedGen C0024796, MONDO:0007947, OMIM 154700.
Familial thoracic aortic aneurysm and aortic dissection (TAAD). Also called: Thoracic aortic aneurysms and dissections. Identifiers: Orphanet 91387, MedGen C4707243, MONDO:0019625.

Submission:

Labcorp Genetics (formerly Invitae), Labcorp
Classification: Uncertain significance for Marfan syndrome; Familial thoracic aortic aneurysm and aortic dissection. Last evaluated: 2025-08-06. Review status: criteria provided, single submitter. Criteria: Invitae Variant Classification Sherloc (09022015). Collection method: clinical testing. Allele origin: germline.
Comment: This sequence change replaces tryptophan, which is neutral and slightly polar, with serine, which is neutral and polar, at codon 2756 of the FBN1 protein (p.Trp2756Ser). This variant is not present in population databases (gnomAD no frequency). This variant has not been reported in the literature in individuals affected with FBN1-related conditions. ClinVar contains an entry for this variant (Variation ID: 1357416). Invitae Evidence Modeling of protein sequence and biophysical properties (such as structural, functional, and spatial information, amino acid conservation, physicochemical variation, residue mobility, and thermodynamic stability) indicates that this missense variant is not expected to disrupt FBN1 protein function with a negative predictive value of 95%. In summary, the available evidence is currently insufficient to determine the role of this variant in disease. Therefore, it has been classified as a Variant of Uncertain Significance.

NM_000138.5(FBN1):c.8267G>C (p.Trp2756Ser)

Gene: FBN1 (fibrillin 1; minus strand). Cytogenetic location: 15q21.1.
Variant type: single nucleotide variant.
Coding change: c.8267G>C on transcript NM_000138.5 (MANE Select); coding-DNA position 8267, G replaced by C.
Protein change: p.Trp2756Ser; replaces tryptophan 2756 with serine.
Molecular consequence: missense variant.
Genome position (GRCh38, 1-based): chr15:48,411,339, C>G on the plus strand (G>C on the coding strand, the complement: FBN1 is on the minus strand). VCF-style: chr15-48411339-C-G. GRCh37 (hg19) VCF-style: chr15-48703536-C-G.
Other names: short protein forms W2756S.
Identifiers: ClinVar variation 1357416 (VCV001357416.8), dbSNP rs397515861, ClinGen allele CA392320027.